The following is an entry in ClinVar:

ClinVar aggregate classification (germline): Likely benign (0 of 4 stars; one submission).

Conditions:
MYBPC2-related disorder. Also called: MYBPC2-related condition.

gnomAD v4.1: 6 of 1,613,704 alleles (0.00037%); highest among the groups gnomAD compares: African/African-American, 0.004%; no homozygotes.

Submission:

PreventionGenetics, part of Exact Sciences
Classification: Likely benign for MYBPC2-related condition. Last evaluated: 2024-04-18. Review status: no assertion criteria provided. Collection method: clinical testing. Allele origin: germline.
Comment: This variant is classified as likely benign based on ACMG/AMP sequence variant interpretation guidelines (Richards et al. 2015 PMID: 25741868, with internal and published modifications).

NM_004533.4(MYBPC2):c.348G>A (p.Val116=)

Gene: MYBPC2 (myosin binding protein C2; plus strand). Cytogenetic location: 19q13.33.
Variant type: single nucleotide variant.
Coding change: c.348G>A on transcript NM_004533.4 (MANE Select); coding-DNA position 348, G replaced by A.
Protein change: p.Val116=; no amino-acid change (valine 116 retained).
Molecular consequence: synonymous variant.
Genome position (GRCh38, 1-based): chr19:50,436,619, G>A. VCF-style: chr19-50436619-G-A. GRCh37 (hg19) VCF-style: chr19-50939876-G-A.
Identifiers: ClinVar variation 3357088 (VCV003357088.1).
Genomic context (GRCh38, chr19:50,436,619, plus strand): 5'-ATATGGGGTGGCTCTAGAGGGTGGTCCCGTGCACCCACACCCCCGGCCCTGGACCCAGGT[G>A]TACACCGTGGAGCTGCACATTGGGAAGGTGGTACTGGGGGACCGTGGGTATTACCGCCTC-3'
Protein context (NP_004524.3, residues 106-126): FKESHNSASN[Val116=]YTVELHIGKV